The following is an entry in ClinVar:

ClinVar aggregate classification (germline): Conflicting classifications of pathogenicity. Review status: criteria provided, conflicting classifications (1 of 4 stars). 2 submissions from 2 submitters: Uncertain significance (1); Likely benign (1). Last evaluated 2025-09-29.

Conditions:
Vitamin B2 deficiency. Identifiers: MedGen C0035528.

Allele frequency attached by ClinVar (database versions not stated): gnomAD exomes 0.00001 and 0.00005; ExAC 0.00002; gnomAD 0.00003; TOPMed 0.00003.

Submissions (2):

Ambry Genetics
Classification: Likely benign. Last evaluated: 2025-09-29. Review status: criteria provided, single submitter. Criteria: Ambry Variant Classification Scheme 2023. Collection method: clinical testing. Allele origin: germline.

Labcorp Genetics (formerly Invitae), Labcorp
Classification: Uncertain significance for Vitamin B2 deficiency. Last evaluated: 2024-10-30. Review status: criteria provided, single submitter. Criteria: Invitae Variant Classification Sherloc (09022015). Collection method: clinical testing. Allele origin: germline.
Comment: This sequence change replaces alanine, which is neutral and non-polar, with threonine, which is neutral and polar, at codon 425 of the SLC52A1 protein (p.Ala425Thr). The frequency data for this variant in the population databases is considered unreliable, as metrics indicate poor data quality at this position in the gnomAD database. This variant has not been reported in the literature in individuals affected with SLC52A1-related conditions. ClinVar contains an entry for this variant (Variation ID: 1352378). Invitae Evidence Modeling of protein sequence and biophysical properties (such as structural, functional, and spatial information, amino acid conservation, physicochemical variation, residue mobility, and thermodynamic stability) indicates that this missense variant is not expected to disrupt SLC52A1 protein function with a negative predictive value of 80%. In summary, the available evidence is currently insufficient to determine the role of this variant in disease. Therefore, it has been classified as a Variant of Uncertain Significance.

NM_017986.4(SLC52A1):c.1273G>A (p.Ala425Thr)

Gene: SLC52A1 (solute carrier family 52 member 1; minus strand). Cytogenetic location: 17p13.2.
Variant type: single nucleotide variant.
Coding change: c.1273G>A on transcript NM_017986.4 (MANE Select); coding-DNA position 1273, G replaced by A.
Protein change: p.Ala425Thr; replaces alanine 425 with threonine.
Molecular consequence: missense variant.
Genome position (GRCh38, 1-based): chr17:5,033,031, C>T on the plus strand (G>A on the coding strand, the complement: SLC52A1 is on the minus strand). VCF-style: chr17-5033031-C-T. GRCh37 (hg19) VCF-style: chr17-4936326-C-T.
Other names: c.1273G>A, p.Ala425Thr (NM_001104577.2); c.1273G>A (NM_001104577.1); short protein forms A425T.
Identifiers: ClinVar variation 1352378 (VCV001352378.7), dbSNP rs747887020, ClinGen allele CA8319576.